The following is an entry in ClinVar:

NM_013275.6(ANKRD11):c.6382G>T (p.Glu2128Ter)

Gene: ANKRD11 (ankyrin repeat domain 11; minus strand). Cytogenetic location: 16q24.3.
Variant type: single nucleotide variant.
Coding change: c.6382G>T on transcript NM_013275.6 (MANE Select); coding-DNA position 6382, G replaced by T.
Protein change: p.Glu2128Ter; replaces glutamic acid 2128 with a stop codon.
Molecular consequence: nonsense.
Genome position (GRCh38, 1-based): chr16:89,280,160, C>A on the plus strand (G>T on the coding strand, the complement: ANKRD11 is on the minus strand). VCF-style: chr16-89280160-C-A. GRCh37 (hg19) VCF-style: chr16-89346568-C-A.
Other names: c.6382G>T, p.Glu2128Ter (NM_001256182.2, NM_001256183.2); short protein forms E2128*.
Identifiers: ClinVar variation 4293464 (VCV004293464.1).

ClinVar aggregate classification (germline): Likely pathogenic (1 of 4 stars; one submission).

Conditions:
KBG syndrome (KBGS). Also called: ANKRD11-Related KBG Syndrome. Identifiers: Orphanet 2332, MedGen C0220687, MONDO:0007846, OMIM 148050.

Submission:

3billion
Classification: Likely pathogenic for KBG syndrome. Last evaluated: 2024-07-05. Review status: criteria provided, single submitter. Criteria: ACMG Guidelines, 2015. Collection method: clinical testing. Allele origin: germline. Affected: yes.
Comment: The variant is not observed in the gnomAD v4.0.0 dataset. Predicted Consequence/Location: Stop-gained (nonsense): predicted to result in a loss or disruption of normal protein function through nonsense-mediated decay (NMD) or protein truncation. Multiple pathogenic variants are reported downstream of the variant. Therefore, this variant is classified as Likely pathogenic according to the recommendation of ACMG/AMP guideline.